The following is an entry in ClinVar:

NM_030631.4(SLC25A21):c.859G>A (p.Val287Ile)

Gene: SLC25A21 (solute carrier family 25 member 21; minus strand). Cytogenetic location: 14q13.3.
Variant type: single nucleotide variant.
Coding change: c.859G>A on transcript NM_030631.4 (MANE Select); coding-DNA position 859, G replaced by A.
Protein change: p.Val287Ile; replaces valine 287 with isoleucine.
Molecular consequence: missense variant.
Genome position (GRCh38, 1-based): chr14:36,680,699, C>T on the plus strand (G>A on the coding strand, the complement: SLC25A21 is on the minus strand). VCF-style: chr14-36680699-C-T. GRCh37 (hg19) VCF-style: chr14-37149904-C-T.
Other names: c.859G>A, p.Val287Ile (NM_001171170.2); c.859G>A (NM_030631.3); short protein forms V287I.
Identifiers: ClinVar variation 2870999 (VCV002870999.4), dbSNP rs749961110, ClinGen allele CA7159162.
Genomic context (GRCh38, chr14:36,680,699, plus strand): 5'-AAAAACACTTCATAGGCAATCACCAGTTCTCTTGAAGCCATGAATAGGTGTATTCATAAA[C>T]CAGCAGCATCACTGCACCACCTAGAAAAGAAAAGAGCTGTTTTTTATTGCAAATCCTCTG-3'
Protein context (NP_085134.1, residues 277-297): LGPGGAVMLL[Val287Ile]YEYTYSWLQE

ClinVar aggregate classification (germline): Uncertain significance. Review status: criteria provided, multiple submitters, no conflicts (2 of 4 stars). 2 submissions from 2 submitters: Uncertain significance (2). Last evaluated 2025-08-26.

Allele frequency attached by ClinVar (database versions not stated): gnomAD exomes below 0.00001; gnomAD 0.00001; ExAC 0.00002.
gnomAD v4.1: 8 of 1,612,818 alleles (0.0005%); highest among the groups gnomAD compares: East Asian, 0.018%; no homozygotes.

Submissions (2):

Ambry Genetics
Classification: Uncertain significance. Last evaluated: 2025-08-26. Review status: criteria provided, single submitter. Criteria: Ambry Variant Classification Scheme 2023. Collection method: clinical testing. Allele origin: germline.

Labcorp Genetics (formerly Invitae), Labcorp
Classification: Uncertain significance. Last evaluated: 2024-08-22. Review status: criteria provided, single submitter. Criteria: Invitae Variant Classification Sherloc (09022015). Collection method: clinical testing. Allele origin: germline.
Comment: This sequence change replaces valine, which is neutral and non-polar, with isoleucine, which is neutral and non-polar, at codon 287 of the SLC25A21 protein (p.Val287Ile). The frequency data for this variant in the population databases is considered unreliable, as metrics indicate poor data quality at this position in the gnomAD database. This variant has not been reported in the literature in individuals affected with SLC25A21-related conditions. Invitae Evidence Modeling of protein sequence and biophysical properties (such as structural, functional, and spatial information, amino acid conservation, physicochemical variation, residue mobility, and thermodynamic stability) indicates that this missense variant is not expected to disrupt SLC25A21 protein function with a negative predictive value of 80%. In summary, the available evidence is currently insufficient to determine the role of this variant in disease. Therefore, it has been classified as a Variant of Uncertain Significance.